The following is an entry in ClinVar:

ClinVar aggregate classification (germline): Pathogenic. Review status: criteria provided, multiple submitters, no conflicts (2 of 4 stars). 2 submissions from 2 submitters: Pathogenic (2). Last evaluated 2026-04-14.

Conditions:
Benign recurrent intrahepatic cholestasis type 1. Also called: SUMMERSKILL SYNDROME; Mild-to-Moderate ATP8B1 Deficiency (Benign Recurrent Intrahepatic Cholestasis 1 [BRIC1]). Identifiers: Orphanet 65682, Orphanet 99960, MedGen C4551899, MONDO:0009469, OMIM 243300.
Familial intrahepatic cholestasis. Identifiers: Orphanet 284385, MedGen CN296401, MONDO:0017290.

Submissions (2):

Genomenon, Inc
Classification: Pathogenic for Familial intrahepatic cholestasis. Last evaluated: 2026-04-14. Review status: criteria provided, single submitter. Criteria: Genomenon Sequence Variant Interpretation Standards - Updated. Collection method: curation. Allele origin: germline. Affected: yes.
Comment: ATP8B1 p.Asn958ThrfsTer50 (c.2873del) is a frameshift variant that results in the production of a truncated protein which is predicted to undergo nonsense-mediated mRNA decay. This variant has been observed in at least one proband with features of ATP8B1-deficiency (PMID:15239083). It is absent or not present at a significant frequency in gnomAD. In conclusion, we classify ATP8B1 p.Asn958ThrfsTer50 (c.2873del) as a pathogenic variant.

Baylor Genetics
Classification: Pathogenic for Benign recurrent intrahepatic cholestasis type 1. Last evaluated: 2023-12-10. Review status: criteria provided, single submitter. Criteria: ACMG Guidelines, 2015. Collection method: clinical testing. Allele origin: unknown.

Literature cited by the submitters: PubMed 15239083 (cited by Genomenon, Inc).

NM_001374385.1(ATP8B1):c.2873del (p.Asn958fs)

Genes: ATP8B1 (ATPase phospholipid transporting 8B1; minus strand), ATP8B1-AS1 (ATP8B1 antisense RNA 1; plus strand). Cytogenetic location: 18q21.31.
Variant type: Deletion.
Coding change: c.2873del on transcript NM_001374385.1 (MANE Select); coding-DNA position 2873, one base deleted (A; older notation c.2873delA).
Protein change: p.Asn958fs; shifts the reading frame from asparagine 958.
Molecular consequence: frameshift variant.
Genome position (GRCh38, 1-based): chr18:57,655,252, T deleted on the plus strand (A on the coding strand, the reverse complement: ATP8B1 is on the minus strand); the first of 5 consecutive T bases (chr18:57,655,252-57,655,256); deleting any one gives the same sequence. VCF-style (leftmost placement, unchanged base first): chr18-57655251-GT-G. GRCh37 (hg19) VCF-style: chr18-55322483-GT-G.
Other names: c.2723del, p.Asn908fs (NM_001374386.1); c.2873del, p.Asn958fs (NM_005603.6); short protein forms N908fs, N958fs.
Identifiers: ClinVar variation 3240829 (VCV003240829.2), dbSNP rs2511630211.